The following is an entry in ClinVar:

NM_017763.6(RNF43):c.1467G>A (p.Gly489=)

Gene: RNF43 (ring finger protein 43; minus strand). Cytogenetic location: 17q22.
Variant type: single nucleotide variant.
Coding change: c.1467G>A on transcript NM_017763.6 (MANE Select); coding-DNA position 1467, G replaced by A.
Protein change: p.Gly489=; no amino-acid change (glycine 489 retained).
Molecular consequence: synonymous variant.
Genome position (GRCh38, 1-based): chr17:58,358,309, C>T on the plus strand (G>A on the coding strand, the complement: RNF43 is on the minus strand). VCF-style: chr17-58358309-C-T. GRCh37 (hg19) VCF-style: chr17-56435670-C-T.
Other names: c.1086G>A, p.Gly362= (NM_001305545.2); c.1467G>A, p.Gly489= (NM_001305544.3).
Identifiers: ClinVar variation 1104829 (VCV001104829.11), dbSNP rs766694520, ClinGen allele CA8673175.
Genomic context (GRCh38, chr17:58,358,309, plus strand): 5'-CACTAGGGGGTCAAAGTCACTGCTTAGGGAGCTGCAGAAAGTAGAACTGCTGCCATGGAC[C>T]CCCTGTAGGCTGATGTCCGTGCAGTTGACCACAGAGTCACTGGAAGAGCCATGACAGGGC-3'
Protein context (NP_060233.3, residues 479-499): VVNCTDISLQ[Gly489=]VHGSSSTFCS

ClinVar aggregate classification (germline): Benign/Likely benign. Review status: criteria provided, multiple submitters, no conflicts (2 of 4 stars). 3 submissions from 3 submitters: Benign (1); Likely benign (2). Last evaluated 2026-07-01.

Conditions:
Sessile serrated polyposis cancer syndrome (SSPCS). Identifiers: Orphanet 157798, MedGen C4310714, MONDO:0014919, OMIM 617108.

Allele frequency attached by ClinVar (database versions not stated): ExAC 0.00002; gnomAD 0.00001; gnomAD exomes 0.00002.
gnomAD v4.1: 13 of 1,613,998 alleles (0.00081%); highest among the groups gnomAD compares: South Asian, 0.011%; no homozygotes.

Submissions (3):

Myriad Genetics, Inc.
Classification: Benign for Sessile serrated polyposis cancer syndrome. Last evaluated: 2026-07-01. Review status: criteria provided, single submitter. Criteria: Myriad Autosomal Dominant, Autosomal Recessive and X-Linked Classification Criteria (2023). Collection method: clinical testing. Allele origin: unknown.
Comment: This variant is considered benign. This variant is a silent/synonymous amino acid change and it is not expected to impact splicing.

Labcorp Genetics (formerly Invitae), Labcorp
Classification: Likely benign. Last evaluated: 2026-01-02. Review status: criteria provided, single submitter. Criteria: Invitae Variant Classification Sherloc (09022015). Collection method: clinical testing. Allele origin: germline.

Ambry Genetics
Classification: Likely benign. Last evaluated: 2025-01-31. Review status: criteria provided, single submitter. Criteria: Ambry Variant Classification Scheme 2023. Collection method: clinical testing. Allele origin: germline.